The following is an entry in ClinVar:

NM_002224.4(ITPR3):c.6453C>A (p.Thr2151=)

Gene: ITPR3 (inositol 1,4,5-trisphosphate receptor type 3; plus strand). Cytogenetic location: 6p21.31.
Variant type: single nucleotide variant.
Coding change: c.6453C>A on transcript NM_002224.4 (MANE Select); coding-DNA position 6453, C replaced by A.
Protein change: p.Thr2151=; no amino-acid change (threonine 2151 retained).
Molecular consequence: synonymous variant.
Genome position (GRCh38, 1-based): chr6:33,688,316, C>A. VCF-style: chr6-33688316-C-A. GRCh37 (hg19) VCF-style: chr6-33656093-C-A.
Identifiers: ClinVar variation 5040225 (VCV005040225.1).
Genomic context (GRCh38, chr6:33,688,316, plus strand): 5'-CAGCATGGAGCAGATCGTGTTCCCAGTGCCCGGCATCTGCCAGTTCCTGACGGAGGAAAC[C>A]AAGCACCGGCTCTTCACCACTACTGAGCAGGACGAGCAGGGCAGCAAAGTGAGCGACTTC-3'
Protein context (NP_002215.2, residues 2141-2161): PGICQFLTEE[Thr2151=]KHRLFTTTEQ

ClinVar aggregate classification (germline): Likely benign (1 of 4 stars; one submission).

Submission:

CeGaT Center for Human Genetics Tuebingen
Classification: Likely benign. Last evaluated: 2026-07-01. Review status: criteria provided, single submitter. Criteria: CeGaT Center For Human Genetics Tuebingen Variant Classification Criteria Version 2. Collection method: clinical testing. Allele origin: germline. Affected: yes. Observed: 1 variant allele.
Comment: ITPR3: BP4, BP7